The following is an entry in ClinVar:

NM_001353214.3(DYM):c.1413G>A (p.Ser471=)

Gene: DYM (dymeclin; minus strand). Cytogenetic location: 18q21.1.
Variant type: single nucleotide variant.
Coding change: c.1413G>A on transcript NM_001353214.3 (MANE Select); coding-DNA position 1413, G replaced by A.
Protein change: p.Ser471=; no amino-acid change (serine 471 retained).
Molecular consequence: synonymous variant.
Genome position (GRCh38, 1-based): chr18:49,257,057, C>T on the plus strand (G>A on the coding strand, the complement: DYM is on the minus strand). VCF-style: chr18-49257057-C-T. GRCh37 (hg19) VCF-style: chr18-46783427-C-T.
Other names: c.1413G>A (NM_017653.3); c.1410G>A, p.Ser470= (NM_001353210.3, NM_001353211.3, NM_001353212.3 and 3 more transcripts); c.1413G>A, p.Ser471= (NM_001353215.3, NM_001353216.3, NM_001374428.1 and 5 more transcripts); c.1407G>A, p.Ser469= (NM_001374429.1, NM_001374439.1); c.1287G>A, p.Ser429= (NM_001374432.1, NM_001374436.1); c.1230G>A, p.Ser410= (NM_001374437.1); c.1185G>A, p.Ser395= (NM_001374440.1); c.843G>A, p.Ser281= (NM_001374441.1, NM_001374442.1, NM_001374444.1); and 1 more.
Identifiers: ClinVar variation 3017181 (VCV003017181.5), dbSNP rs756291293, ClinGen allele CA8958092.

ClinVar aggregate classification (germline): Likely benign. Review status: criteria provided, single submitter (1 of 4 stars). 2 submissions from 2 submitters: Likely benign (1). 1 of the submissions does not count toward it. Last evaluated 2024-04-25.

Conditions:
DYM-related disorder. Also called: DYM-related condition.

Allele frequency attached by ClinVar (database versions not stated): TOPMed 0.00002; gnomAD 0.00003; ExAC 0.00005; gnomAD exomes 0.00005.
gnomAD v4.1: 75 of 1,613,930 alleles (0.0046%); highest among the groups gnomAD compares: Non-Finnish European, 0.0056%; no homozygotes.

Submissions (2):

Labcorp Genetics (formerly Invitae), Labcorp
Classification: Likely benign. Last evaluated: 2024-04-25. Review status: criteria provided, single submitter. Criteria: Invitae Variant Classification Sherloc (09022015). Collection method: clinical testing. Allele origin: germline.

PreventionGenetics, part of Exact Sciences
Classification: Likely benign for DYM-related condition. Last evaluated: 2019-05-23. Review status: no assertion criteria provided. Collection method: clinical testing. Allele origin: germline. Not counted in ClinVar's aggregate classification.
Comment: This variant is classified as likely benign based on ACMG/AMP sequence variant interpretation guidelines (Richards et al. 2015 PMID: 25741868, with internal and published modifications).